The following is an entry in ClinVar:

ClinVar aggregate classification (germline): Uncertain significance. Review status: criteria provided, multiple submitters, no conflicts (2 of 4 stars). 2 submissions from 2 submitters: Uncertain significance (2). Last evaluated 2023-12-19.

Conditions:
Ptosis, hereditary congenital, 1. Identifiers: Orphanet 91411, MedGen C1867438, MONDO:0979905, OMIM 178300.

Submissions (2):

Ambry Genetics
Classification: Uncertain significance. Last evaluated: 2023-12-19. Review status: criteria provided, single submitter. Criteria: Ambry Variant Classification Scheme 2023. Collection method: clinical testing. Allele origin: germline.

Laboratorio de Genetica e Diagnostico Molecular, Hospital Israelita Albert Einstein
Classification: Uncertain significance for Ptosis, hereditary congenital, 1. Last evaluated: 2023-01-20. Review status: criteria provided, single submitter. Criteria: ACMG Guidelines, 2015. Collection method: clinical testing. Allele origin: germline. Affected: yes. Observed: 1 variant allele.
Comment: ACMG classification criteria: PM2 moderated, BP4 supporting

NM_024721.5(ZFHX4):c.2144G>A (p.Ser715Asn)

Gene: ZFHX4 (zinc finger homeobox 4; plus strand). Cytogenetic location: 8q21.13.
Variant type: single nucleotide variant.
Coding change: c.2144G>A on transcript NM_024721.5 (MANE Select); coding-DNA position 2144, G replaced by A.
Protein change: p.Ser715Asn; replaces serine 715 with asparagine.
Molecular consequence: missense variant.
Genome position (GRCh38, 1-based): chr8:76,706,232, G>A. VCF-style: chr8-76706232-G-A. GRCh37 (hg19) VCF-style: chr8-77618467-G-A.
Other names: c.2144G>A, p.Ser715Asn (NM_001410934.1); c.2144G>A (NM_024721.4); short protein forms S715N.
Identifiers: ClinVar variation 2431436 (VCV002431436.2), dbSNP rs2536196890, ClinGen allele CA371509523.